The following is an entry in ClinVar:

ClinVar aggregate classification (germline): Likely pathogenic (1 of 4 stars; one submission).

Conditions:
Hyperinsulinemic hypoglycemia, familial, 1 (HHF1). Also called: Persistent hyperinsulinemic hypoglycemia of infancy; HYPERINSULINISM, FAMILIAL, WITH PANCREATIC NESIDIOBLASTOSIS; HYPOGLYCEMIA, HYPERINSULINEMIC, OF INFANCY; NESIDIOBLASTOSIS OF PANCREAS; Persistent Hyperinsulinemia Hypoglycemia of Infancy. Identifiers: Orphanet 276575, Orphanet 276598, MedGen C2931832, MONDO:0009734, OMIM 256450.

Submission:

Myriad Genetics, Inc.
Classification: Likely pathogenic for Hyperinsulinemic hypoglycemia, familial, 1. Last evaluated: 2022-01-02. Review status: criteria provided, single submitter. Criteria: Myriad Women's Health Autosomal Recessive and X-Linked Classification Criteria (2021). Collection method: clinical testing. Allele origin: unknown.
Comment: NM_000352.3(ABCC8):c.771_772ins8(R258Efs*104) is expected to be pathogenic in the context of familial hyperinsulinism, ABCC8-related. This variant is predicted to lead to an abnormal or absent protein product due to the creation of a premature termination codon in ABCC8, a gene where loss-of-function variants are known to be pathogenic. Please note: this variant was assessed in the context of healthy population screening.

NM_000352.6(ABCC8):c.771_772insGAAACCCA (p.Arg258fs)

Gene: ABCC8 (ATP binding cassette subfamily C member 8; minus strand). Cytogenetic location: 11p15.1.
Variant type: Insertion.
Coding change: c.771_772insGAAACCCA on transcript NM_000352.6 (MANE Select); coding-DNA positions 771 to 772, GAAACCCA inserted.
Protein change: p.Arg258fs; shifts the reading frame from arginine 258.
Molecular consequence: frameshift variant. On other transcripts: non-coding transcript variant (1).
Genome position: GRCh38 VCF-style: chr11-17461633-T-TTGGGTTTC. GRCh37 (hg19) VCF-style: chr11-17483180-T-TTGGGTTTC.
Other names: c.771_772insGAAACCCA, p.Arg258fs (NM_001287174.3, NM_001351295.2, NM_001351296.2 and 1 more transcripts); short protein forms R258fs.
Identifiers: ClinVar variation 1726802 (VCV001726802.2), dbSNP rs2496852584, ClinGen allele CA2580082788.
Genomic context (GRCh38, chr11:17,461,633, plus strand): 5'-CCCCACTGACCACCTGGGCGTCAAAGGCCTCGCAGAGCCGTTGGTAGTTGGTGAGGGCCC[T>TTGGGTTTC]CATGGCGATGGGCAGCTTCCCGATGGCTCGCAAGTCGATGGGCTTCTTGTGGGCAGTCTT-3'